The following is an entry in ClinVar:

NM_005045.4(RELN):c.6431A>T (p.Asn2144Ile)

Gene: RELN (reelin; minus strand). Cytogenetic location: 7q22.1.
Variant type: single nucleotide variant.
Coding change: c.6431A>T on transcript NM_005045.4 (MANE Select); coding-DNA position 6431, A replaced by T.
Protein change: p.Asn2144Ile; replaces asparagine 2144 with isoleucine.
Molecular consequence: missense variant.
Genome position (GRCh38, 1-based): chr7:103,545,216, T>A on the plus strand (A>T on the coding strand, the complement: RELN is on the minus strand). VCF-style: chr7-103545216-T-A. GRCh37 (hg19) VCF-style: chr7-103185663-T-A.
Other names: c.6431A>T, p.Asn2144Ile (NM_173054.3); short protein forms N2144I.
Identifiers: ClinVar variation 864718 (VCV000864718.9), dbSNP rs776658515, ClinGen allele CA368771025.

ClinVar aggregate classification (germline): Uncertain significance (1 of 4 stars; one submission).

Conditions:
Familial temporal lobe epilepsy 7. Identifiers: Orphanet 101046, MedGen C4225327, MONDO:0014639, OMIM 616436.
Norman-Roberts syndrome (LIS2). Also called: Lissencephaly 2 (Norman-Roberts type). Identifiers: Orphanet 89844, MedGen C0796089, MONDO:0009760, OMIM 257320.

gnomAD v4.1: 3 of 1,614,174 alleles (0.00019%); highest among the groups gnomAD compares: Non-Finnish European, 0.00025%; no homozygotes.

Submission:

Labcorp Genetics (formerly Invitae), Labcorp
Classification: Uncertain significance for Familial temporal lobe epilepsy 7; Norman-Roberts syndrome. Last evaluated: 2023-06-29. Review status: criteria provided, single submitter. Criteria: Invitae Variant Classification Sherloc (09022015). Collection method: clinical testing. Allele origin: germline.
Comment: In summary, the available evidence is currently insufficient to determine the role of this variant in disease. Therefore, it has been classified as a Variant of Uncertain Significance. Advanced modeling of protein sequence and biophysical properties (such as structural, functional, and spatial information, amino acid conservation, physicochemical variation, residue mobility, and thermodynamic stability) performed at Invitae indicates that this missense variant is not expected to disrupt RELN protein function. ClinVar contains an entry for this variant (Variation ID: 864718). This variant has not been reported in the literature in individuals affected with RELN-related conditions. This variant is present in population databases (no rsID available, gnomAD 0.0009%). This sequence change replaces asparagine, which is neutral and polar, with isoleucine, which is neutral and non-polar, at codon 2144 of the RELN protein (p.Asn2144Ile).